The following is an entry in ClinVar:

ClinVar aggregate classification (germline): Uncertain significance (1 of 4 stars; one submission).

Conditions:
WNK1-related disorder. Also called: WNK1-related condition.

gnomAD v4.1: 2 of 1,614,074 alleles (0.00012%); highest among the groups gnomAD compares: Non-Finnish European, 0.00017%; no homozygotes.

Submission:

PreventionGenetics, part of Exact Sciences
Classification: Uncertain significance for WNK1-related condition. Last evaluated: 2026-09-02. Review status: criteria provided, single submitter. Criteria: ACMG Guidelines, 2015. Collection method: clinical testing. Allele origin: germline.
Comment: The WNK1 c.2724T>G variant is predicted to result in the amino acid substitution p.Ser908Arg. To our knowledge, this variant has not been reported in the literature. This variant is reported in 0.0018% of alleles in individuals of European (Non-Finnish) descent in gnomAD. At this time, the clinical significance of this variant is uncertain due to the absence of conclusive functional and genetic evidence.

NM_018979.4(WNK1):c.2724T>G (p.Ser908Arg)

Gene: WNK1 (WNK lysine deficient protein kinase 1; plus strand). Cytogenetic location: 12p13.33.
Variant type: single nucleotide variant.
Coding change: c.2724T>G on transcript NM_018979.4 (MANE Select); coding-DNA position 2724, T replaced by G.
Protein change: p.Ser908Arg; replaces serine 908 with arginine.
Molecular consequence: missense variant. On other transcripts: intron variant (3).
Genome position (GRCh38, 1-based): chr12:879,923, T>G. VCF-style: chr12-879923-T-G. GRCh37 (hg19) VCF-style: chr12-989089-T-G.
Other names: c.3867+1562T>G (NM_213655.5); c.3613-798T>G (NM_001184985.2); c.2370+1562T>G (NM_014823.3); short protein forms S908R.
Identifiers: ClinVar variation 4985972 (VCV004985972.1).
Genomic context (GRCh38, chr12:879,923, plus strand): 5'-ATCAACTGTGGTTCCTAGTCAGCTTCCAACCCTTCTGCAGCCTGTGACTCAGCTGCCAAG[T>G]CAGGTTCACCCACAGCTCCTACAACCAGCAGTTCAGTCCATGGGAATACCAGCTAACCTT-3'
Protein context (NP_061852.3, residues 898-918): TLLQPVTQLP[Ser908Arg]QVHPQLLQPA